The following is an entry in ClinVar:

NM_001080.3(ALDH5A1):c.1321G>A (p.Gly441Arg)

Gene: ALDH5A1 (aldehyde dehydrogenase 5 family member A1; plus strand). Cytogenetic location: 6p22.3.
Variant type: single nucleotide variant.
Coding change: c.1321G>A on transcript NM_001080.3 (MANE Select); coding-DNA position 1321, G replaced by A.
Protein change: p.Gly441Arg; replaces glycine 441 with arginine.
Molecular consequence: missense variant.
Genome position (GRCh38, 1-based): chr6:24,528,144, G>A. VCF-style: chr6-24528144-G-A. GRCh37 (hg19) VCF-style: chr6-24528372-G-A.
Other names: c.1177G>A, p.Gly393Arg (NM_001368954.1); c.1360G>A, p.Gly454Arg (NM_170740.1); short protein forms G393R, G454R, G441R.
Identifiers: ClinVar variation 1878494 (VCV001878494.5), dbSNP rs1041467895, ClinGen allele CA136139450.

ClinVar aggregate classification (germline): Likely pathogenic. Review status: criteria provided, multiple submitters, no conflicts (2 of 4 stars). 2 submissions from 2 submitters: Likely pathogenic (2). Last evaluated 2025-08-04.

Conditions:
Succinate-semialdehyde dehydrogenase deficiency (SSADHD). Also called: 4-HYDROXYBUTYRIC ACIDURIA; GABA METABOLIC DEFECT; SSADH DEFICIENCY; Succinic Semialdehyde Dehydrogenase Deficiency. Identifiers: Orphanet 22, MedGen C0268631, MONDO:0010083, OMIM 271980.

Allele frequency attached by ClinVar (database versions not stated): gnomAD exomes 0.00001.
gnomAD v4.1: 8 of 1,613,756 alleles (0.0005%); highest among the groups gnomAD compares: Middle Eastern, 0.016%; no homozygotes.

Submissions (2):

3billion
Classification: Likely pathogenic for Succinate-semialdehyde dehydrogenase deficiency. Last evaluated: 2025-08-04. Review status: criteria provided, single submitter. Criteria: ACMG Guidelines, 2015. Collection method: clinical testing. Allele origin: germline. Affected: yes.
Comment: The variant is observed at an extremely low frequency in the gnomAD v4.1.0 dataset (total allele frequency: <0.001%). Predicted Consequence/Location: Missense variant In silico tool predictions suggest damaging effect of the variant on gene or gene product [REVEL: 0.86 (>=0.6, sensitivity 0.68 and specificity 0.92); 3Cnet: 0.99 (> 0.75, sensitivity 0.96 and precision 0.92)]. The same nucleotide change resulting in the same amino acid change has been previously reported to be associated with ALDH5A1-related disorder (PMID: 32223457).The variant has been reported to be in trans with a pathogenic variant as either compound heterozygous or homozygous in at least one similarly affected unrelated individual (PMID: 32223457). Therefore, this variant is classified as Likely pathogenic according to the recommendation of ACMG/AMP guideline.

Elsea Laboratory, Baylor College of Medicine
Classification: Likely pathogenic for Succinate-semialdehyde dehydrogenase deficiency. Last evaluated: 2021-03-08. Review status: criteria provided, single submitter. Criteria: Martin et al. (J Child Neurol. 2021). Collection method: curation. Allele origin: germline. Affected: yes.
Comment: catalytic domain

Literature cited by the submitters: PubMed 32223457 (cited by 3billion and Elsea Laboratory, Baylor College of Medicine); PubMed 33203024 (cited by Elsea Laboratory, Baylor College of Medicine).